The following is an entry in ClinVar:

NM_006361.6(HOXB13):c.332C>T (p.Ala111Val)

Gene: HOXB13 (homeobox B13; minus strand). Cytogenetic location: 17q21.32.
Variant type: single nucleotide variant.
Coding change: c.332C>T on transcript NM_006361.6 (MANE Select); coding-DNA position 332, C replaced by T.
Protein change: p.Ala111Val; replaces alanine 111 with valine.
Molecular consequence: missense variant.
Genome position (GRCh38, 1-based): chr17:48,728,262, G>A on the plus strand (C>T on the coding strand, the complement: HOXB13 is on the minus strand). VCF-style: chr17-48728262-G-A. GRCh37 (hg19) VCF-style: chr17-46805624-G-A.
Other names: short protein forms A111V.
Identifiers: ClinVar variation 823611 (VCV000823611.16), dbSNP rs781117900, ClinGen allele CA291350510.
Genomic context (GRCh38, chr17:48,728,262, plus strand): 5'-GGATAGAAGGCAAACTCAGTGGGGCGGCTGGGGTACTCTTCCCCGGCCGTGGGAGTCTCC[G>A]CGGGGTACGCGGCCAGGGTGGCTGCCTGGGCACAGGGTTTCAGCGAGCTCCGGGACACTC-3'
Protein context (NP_006352.2, residues 101-121): AQAATLAAYP[Ala111Val]ETPTAGEEYP

ClinVar aggregate classification (germline): Uncertain significance. Review status: criteria provided, multiple submitters, no conflicts (2 of 4 stars). 4 submissions from 4 submitters: Uncertain significance (4). Last evaluated 2026-08-06.

Conditions:
Hereditary cancer-predisposing syndrome. Also called: Neoplastic Syndromes, Hereditary; Hereditary Cancer Syndrome; Tumor predisposition; Hereditary neoplastic syndrome. Identifiers: Orphanet 140162, MedGen C0027672, MeSH D009386, MONDO:0015356.
Prostate cancer, hereditary, 9 (HPC9). Identifiers: Orphanet 1331, MedGen C1970250, MONDO:0012597, OMIM 610997.

Allele frequency attached by ClinVar (database versions not stated): TOPMed 0.00002.
gnomAD v4.1: 6 of 1,614,048 alleles (0.00037%); highest among the groups gnomAD compares: Admixed American, 0.0017%; no homozygotes.

Submissions (4):

OLLIN Analises Genomicas, OLLIN
Classification: Uncertain significance for Prostate cancer, hereditary, 9. Last evaluated: 2026-08-06. Review status: criteria provided, single submitter. Criteria: ACMG Guidelines 2015 PMID 25741868. Collection method: clinical testing. Allele origin: germline.
Comment: This missense variant, located in exon 1 (of 2), has been reported in ClinVar (accession VCV000823611.15) and in gnomAD with an allele frequency of 0.00037%. However, to our knowledge, it has not been reported in the scientific literature. In silico analysis predicts that this variant has a tolerated effect. According to the currently available evidence, this variant has been classified as uncertain significance (BP4_M).

Labcorp Genetics (formerly Invitae), Labcorp
Classification: Uncertain significance. Last evaluated: 2025-12-20. Review status: criteria provided, single submitter. Criteria: Invitae Variant Classification Sherloc (09022015). Collection method: clinical testing. Allele origin: germline.
Comment: This sequence change replaces alanine, which is neutral and non-polar, with valine, which is neutral and non-polar, at codon 111 of the HOXB13 protein (p.Ala111Val). This variant is present in population databases (no rsID available, gnomAD 0.003%). This missense change has been observed in individual(s) with breast cancer (PMID: 27424772). ClinVar contains an entry for this variant (Variation ID: 823611). Invitae Evidence Modeling of protein sequence and biophysical properties (such as structural, functional, and spatial information, amino acid conservation, physicochemical variation, residue mobility, and thermodynamic stability) indicates that this missense variant is not expected to disrupt HOXB13 protein function with a negative predictive value of 80%. In summary, the available evidence is currently insufficient to determine the role of this variant in disease. Therefore, it has been classified as a Variant of Uncertain Significance.

Ambry Genetics
Classification: Uncertain significance for Hereditary cancer-predisposing syndrome. Last evaluated: 2025-11-18. Review status: criteria provided, single submitter. Criteria: Ambry Variant Classification Scheme 2023. Collection method: clinical testing. Allele origin: germline.
Comment: The p.A111V variant (also known as c.332C>T), located in coding exon 1 of the HOXB13 gene, results from a C to T substitution at nucleotide position 332. The alanine at codon 111 is replaced by valine, an amino acid with similar properties. In a study investigating HOXB13 variants in Dutch non-BRCA1/2 familial breast cancer cases, this variant was seen in 1/1215 cases and 0/759 cases (Liu J et al. Sci Rep. 2016 07;6:30026). This amino acid position is poorly conserved in available vertebrate species. In addition, this alteration is predicted to be tolerated by in silico analysis. Since supporting evidence is limited at this time, the clinical significance of this alteration remains unclear.

GeneDx
Classification: Uncertain significance. Last evaluated: 2023-02-13. Review status: criteria provided, single submitter. Criteria: GeneDx Variant Classification Process June 2021. Collection method: clinical testing. Allele origin: germline. Affected: yes.
Comment: Not observed at significant frequency in large population cohorts (gnomAD); In silico analysis supports that this missense variant does not alter protein structure/function; Observed in an individual with familial breast cancer (Liu et al., 2016); This variant is associated with the following publications: (PMID: 27424772)

Literature cited by the submitters: PubMed 27424772 (cited by Labcorp Genetics (formerly Invitae), Labcorp and Ambry Genetics).